The following is an entry in ClinVar:

NM_007055.4(POLR3A):c.3562G>A (p.Val1188Met)

Gene: POLR3A (RNA polymerase III subunit A; minus strand). Cytogenetic location: 10q22.3.
Variant type: single nucleotide variant.
Coding change: c.3562G>A on transcript NM_007055.4 (MANE Select); coding-DNA position 3562, G replaced by A.
Protein change: p.Val1188Met; replaces valine 1188 with methionine.
Molecular consequence: missense variant.
Genome position (GRCh38, 1-based): chr10:77,982,685, C>T on the plus strand (G>A on the coding strand, the complement: POLR3A is on the minus strand). VCF-style: chr10-77982685-C-T. GRCh37 (hg19) VCF-style: chr10-79742443-C-T.
Other names: short protein forms V1188M.
Identifiers: ClinVar variation 546323 (VCV000546323.7), dbSNP rs140432781, ClinGen allele CA5570795.
Genomic context (GRCh38, chr10:77,982,685, plus strand): 5'-TCTCCATGAGAAGCGACTTCTGTTTCACCTTGGGGAGATCCTCTTTCAGGAACTGCAGCA[C>T]GTAGTACATGGAGCTCTTGCTGTTCTCTCTGGGGGTGACACACACCACAGCCTCACCATG-3'
Protein context (NP_008986.2, residues 1178-1198): RENSKSSMYY[Val1188Met]LQFLKEDLPK

ClinVar aggregate classification (germline): Uncertain significance. Review status: criteria provided, multiple submitters, no conflicts (2 of 4 stars). 2 submissions from 2 submitters: Uncertain significance (2). Last evaluated 2023-11-22.

Allele frequency attached by ClinVar (database versions not stated): TOPMed 0.00001.
gnomAD v4.1: 24 of 1,613,698 alleles (0.0015%); highest among the groups gnomAD compares: Admixed American, 0.01%; no homozygotes.

Submissions (2):

Labcorp Genetics (formerly Invitae), Labcorp
Classification: Uncertain significance. Last evaluated: 2023-11-22. Review status: criteria provided, single submitter. Criteria: Invitae Variant Classification Sherloc (09022015). Collection method: clinical testing. Allele origin: germline.
Comment: This sequence change replaces valine, which is neutral and non-polar, with methionine, which is neutral and non-polar, at codon 1188 of the POLR3A protein (p.Val1188Met). This variant is present in population databases (rs140432781, gnomAD 0.01%). This variant has not been reported in the literature in individuals affected with POLR3A-related conditions. ClinVar contains an entry for this variant (Variation ID: 546323). Advanced modeling of protein sequence and biophysical properties (such as structural, functional, and spatial information, amino acid conservation, physicochemical variation, residue mobility, and thermodynamic stability) performed at Invitae indicates that this missense variant is not expected to disrupt POLR3A protein function with a negative predictive value of 80%. In summary, the available evidence is currently insufficient to determine the role of this variant in disease. Therefore, it has been classified as a Variant of Uncertain Significance.

GeneDx
Classification: Uncertain significance. Last evaluated: 2018-05-15. Review status: criteria provided, single submitter. Criteria: GeneDx Variant Classification (06012015). Collection method: clinical testing. Allele origin: germline. Affected: yes.
Comment: The V1188M variant in the POLR3A gene has not been reported previously as a pathogenic variant, nor as a benign variant, to our knowledge. The V1188M variant is observed in 5/33578 (0.015%) alleles from individuals of Latino background in large population cohorts (Lek et al., 2016). The V1188M variant is a conservative amino acid substitution, which is not likely to impact secondary protein structure as these residues share similar properties. In-silico analyses, including protein predictors and evolutionary conservation, support that this variant does not alter protein structure/function. We interpret V1188M as a variant of uncertain significance.